The following is an entry in ClinVar:

NM_000297.4(PKD2):c.2020-2del

Gene: PKD2 (polycystin 2, transient receptor potential cation channel; plus strand). Cytogenetic location: 4q22.1.
Variant type: Deletion.
Coding change: c.2020-2del on transcript NM_000297.4 (MANE Select); the canonical splice acceptor site of the intron before coding-DNA position 2020, one base deleted (A; older notation c.2020-2delA).
Molecular consequence: splice acceptor variant.
Genome position (GRCh38, 1-based): chr4:88,061,904, A deleted. VCF-style (leftmost placement, unchanged base first): chr4-88061903-CA-C. GRCh37 (hg19) VCF-style: chr4-88983055-CA-C.
Identifiers: ClinVar variation 1328420 (VCV001328420.14), dbSNP rs2110133920, ClinGen allele CA2573052377.
Genomic context (GRCh38, chr4:88,061,903, plus strand): 5'-TGATTGATAATTCCAAATTATGTTTCTTCCTTTAATTTTTGCCCTCCTTTCATTTACAAA[CA>C]GAATATGTTTTTGGCTATCATCAATGATACTTACTCTGAAGTGAAATCTGACTTGGCACA-3'

ClinVar aggregate classification (germline): Pathogenic/Likely pathogenic. Review status: criteria provided, multiple submitters, no conflicts (2 of 4 stars). 2 submissions from 2 submitters: Pathogenic (1); Likely pathogenic (1). Last evaluated 2024-12-01.

Conditions:
Enlarged kidney. Identifiers: MedGen C0542518, HP:0000105.
Hyperechogenic kidneys. Also called: echogenic kidneys. Identifiers: MedGen C3275899, HP:0004719.
Multiple renal cysts. Identifiers: MedGen C0431718, HP:0005562.
Anhydramnios. Identifiers: MedGen C0730379, HP:0025700.

Submissions (2):

CeGaT Center for Human Genetics Tuebingen
Classification: Pathogenic. Last evaluated: 2024-12-01. Review status: criteria provided, single submitter. Criteria: CeGaT Center For Human Genetics Tuebingen Variant Classification Criteria Version 2. Collection method: clinical testing. Allele origin: germline. Affected: yes. Observed: 1 variant allele.
Comment: PKD2: PVS1, PM2, PP1, PS4:Supporting

Molecular Genetics laboratory, Necker Hospital
Classification: Likely pathogenic for Anhydramnios; Multiple renal cysts; Hyperechogenic kidneys; Enlarged kidney. Last evaluated: 2021-12-15. Review status: criteria provided, single submitter. Criteria: ACMG Guidelines, 2015. Collection method: clinical testing. Allele origin: maternal. Affected: yes.

Literature cited by the submitters: PubMed 35005812 (cited by Molecular Genetics laboratory, Necker Hospital).